The following is an entry in ClinVar:

ClinVar aggregate classification (germline): Uncertain significance. Review status: criteria provided, multiple submitters, no conflicts (2 of 4 stars). 4 submissions from 4 submitters: Uncertain significance (4). Last evaluated 2025-03-11.

Conditions:
Inborn genetic diseases. Identifiers: MedGen C0950123, MeSH D030342.
Poikiloderma with neutropenia (PN). Identifiers: Orphanet 221046, MedGen C1858723, MONDO:0011405, OMIM 604173.

Allele frequency attached by ClinVar (database versions not stated): gnomAD exomes 0.00003 and 0.00010; ExAC 0.00012; gnomAD 0.00018 and 0.00021; TOPMed 0.00020; ESP Exome Variant Server 0.00038.
gnomAD v4.1: 75 of 1,614,014 alleles (0.0046%); highest among the groups gnomAD compares: African/African-American, 0.061%; no homozygotes.

Submissions (4):

Labcorp Genetics (formerly Invitae), Labcorp
Classification: Uncertain significance. Last evaluated: 2025-03-11. Review status: criteria provided, single submitter. Criteria: Invitae Variant Classification Sherloc (09022015). Collection method: clinical testing. Allele origin: germline.
Comment: This sequence change replaces arginine, which is basic and polar, with histidine, which is basic and polar, at codon 245 of the USB1 protein (p.Arg245His). This variant is present in population databases (rs140289507, gnomAD 0.07%). This variant has not been reported in the literature in individuals affected with USB1-related conditions. ClinVar contains an entry for this variant (Variation ID: 1440613). Invitae Evidence Modeling of protein sequence and biophysical properties (such as structural, functional, and spatial information, amino acid conservation, physicochemical variation, residue mobility, and thermodynamic stability) indicates that this missense variant is not expected to disrupt USB1 protein function with a negative predictive value of 80%. In summary, the available evidence is currently insufficient to determine the role of this variant in disease. Therefore, it has been classified as a Variant of Uncertain Significance.

Ambry Genetics
Classification: Uncertain significance for Inborn genetic diseases. Last evaluated: 2024-12-06. Review status: criteria provided, single submitter. Criteria: Ambry Variant Classification Scheme 2023. Collection method: clinical testing. Allele origin: germline.

Fulgent Genetics
Classification: Uncertain significance for Poikiloderma with neutropenia. Last evaluated: 2024-06-14. Review status: criteria provided, single submitter. Criteria: ACMG Guidelines, 2015. Collection method: clinical testing. Allele origin: germline.

Mayo Clinic Laboratories, Mayo Clinic
Classification: Uncertain significance. Last evaluated: 2022-12-20. Review status: criteria provided, single submitter. Criteria: ACMG Guidelines, 2015. Collection method: clinical testing. Allele origin: germline. Observed: 1 variant allele.
Comment: BP4

NM_024598.4(USB1):c.734G>A (p.Arg245His)

Gene: USB1 (U6 snRNA biogenesis phosphodiesterase 1; plus strand). Cytogenetic location: 16q21.
Variant type: single nucleotide variant.
Coding change: c.734G>A on transcript NM_024598.4 (MANE Select); coding-DNA position 734, G replaced by A.
Protein change: p.Arg245His; replaces arginine 245 with histidine.
Molecular consequence: missense variant.
Genome position (GRCh38, 1-based): chr16:58,020,181, G>A. VCF-style: chr16-58020181-G-A. GRCh37 (hg19) VCF-style: chr16-58054085-G-A.
Other names: p.Arg245His; c.680G>A, p.Arg227His (NM_001195302.2); c.581G>A, p.Arg194His (NM_001330568.2); c.734G>A (NM_024598.3); short protein forms R194H, R227H, R245H.
Identifiers: ClinVar variation 1440613 (VCV001440613.12), dbSNP rs140289507, ClinGen allele CA8085044.